The following is an entry in ClinVar:

ClinVar aggregate classification (germline): Uncertain significance. Review status: criteria provided, multiple submitters, no conflicts (2 of 4 stars). 2 submissions from 2 submitters: Uncertain significance (2). Last evaluated 2025-11-09.

Conditions:
Hereditary cancer-predisposing syndrome. Also called: Hereditary neoplastic syndrome; Tumor predisposition; Neoplastic Syndromes, Hereditary; Hereditary Cancer Syndrome. Identifiers: Orphanet 140162, MedGen C0027672, MeSH D009386, MONDO:0015356.
Retinoblastoma (RB1). Also called: RETINOBLASTOMA, SOMATIC. Identifiers: Orphanet 790, MedGen C0035335, MeSH D012175, MONDO:0008380, OMIM 180200, HP:0009919. Disease mechanism: loss of function. Inheritance: Both sporadic and heritable forms are tested..

Allele frequency attached by ClinVar (database versions not stated): TOPMed below 0.00001; gnomAD 0.00001.
gnomAD v4.1: 5 of 1,613,346 alleles (0.00031%); highest among the groups gnomAD compares: African/African-American, 0.004%; no homozygotes.

Submissions (2):

Labcorp Genetics (formerly Invitae), Labcorp
Classification: Uncertain significance for Retinoblastoma. Last evaluated: 2025-11-09. Review status: criteria provided, single submitter. Criteria: Invitae Variant Classification Sherloc (09022015). Collection method: clinical testing. Allele origin: germline.
Comment: This sequence change replaces cysteine, which is neutral and slightly polar, with arginine, which is basic and polar, at codon 853 of the RB1 protein (p.Cys853Arg). This variant is not present in population databases (gnomAD no frequency). This variant has not been reported in the literature in individuals affected with RB1-related conditions. ClinVar contains an entry for this variant (Variation ID: 572008). Invitae Evidence Modeling of protein sequence and biophysical properties (such as structural, functional, and spatial information, amino acid conservation, physicochemical variation, residue mobility, and thermodynamic stability) indicates that this missense variant is not expected to disrupt RB1 protein function with a negative predictive value of 80%. In summary, the available evidence is currently insufficient to determine the role of this variant in disease. Therefore, it has been classified as a Variant of Uncertain Significance.

Ambry Genetics
Classification: Uncertain significance for Hereditary cancer-predisposing syndrome. Last evaluated: 2025-11-04. Review status: criteria provided, single submitter. Criteria: Ambry Variant Classification Scheme 2023. Collection method: clinical testing. Allele origin: germline.
Comment: The p.C853R variant (also known as c.2557T>C), located in coding exon 25 of the RB1 gene, results from a T to C substitution at nucleotide position 2557. The cysteine at codon 853 is replaced by arginine, an amino acid with highly dissimilar properties. This alteration was detected in 1/224 unrelated Brazilian individuals with breast cancer (Sandoval RL et al. PLoS One, 2021 Feb;16:e0247363). This amino acid position is well conserved in available vertebrate species. In addition, this alteration is predicted to be tolerated by in silico analysis. Since supporting evidence is limited at this time, the clinical significance of this alteration remains unclear.

Literature cited by the submitters: PubMed 33606809 (cited by Ambry Genetics).

NM_000321.3(RB1):c.2557T>C (p.Cys853Arg)

Gene: RB1 (RB transcriptional corepressor 1; plus strand). Cytogenetic location: 13q14.2.
Variant type: single nucleotide variant.
Coding change: c.2557T>C on transcript NM_000321.3 (MANE Select); coding-DNA position 2557, T replaced by C.
Protein change: p.Cys853Arg; replaces cysteine 853 with arginine.
Molecular consequence: missense variant.
Genome position (GRCh38, 1-based): chr13:48,476,737, T>C. VCF-style: chr13-48476737-T-C. GRCh37 (hg19) VCF-style: chr13-49050873-T-C.
Other names: short protein forms C853R.
Identifiers: ClinVar variation 572008 (VCV000572008.12), dbSNP rs1295589257, ClinGen allele CA388168267.